The following is an entry in ClinVar:

ClinVar aggregate classification (germline): Uncertain significance (1 of 4 stars; one submission).

gnomAD v4.1: 2 of 1,614,174 alleles (0.00012%); highest among the groups gnomAD compares: Non-Finnish European, 0.000085%; no homozygotes.

Submission:

Labcorp Genetics (formerly Invitae), Labcorp
Classification: Uncertain significance. Last evaluated: 2024-07-21. Review status: criteria provided, single submitter. Criteria: Invitae Variant Classification Sherloc (09022015). Collection method: clinical testing. Allele origin: germline.
Comment: This sequence change replaces phenylalanine, which is neutral and non-polar, with serine, which is neutral and polar, at codon 609 of the EPAS1 protein (p.Phe609Ser). This variant is not present in population databases (gnomAD no frequency). This variant has not been reported in the literature in individuals affected with EPAS1-related conditions. An algorithm developed to predict the effect of missense changes on protein structure and function (PolyPhen-2) suggests that this variant is likely to be tolerated. In summary, the available evidence is currently insufficient to determine the role of this variant in disease. Therefore, it has been classified as a Variant of Uncertain Significance.

NM_001430.5(EPAS1):c.1826T>C (p.Phe609Ser)

Gene: EPAS1 (endothelial PAS domain protein 1; plus strand). Cytogenetic location: 2p21.
Variant type: single nucleotide variant.
Coding change: c.1826T>C on transcript NM_001430.5 (MANE Select); coding-DNA position 1826, T replaced by C.
Protein change: p.Phe609Ser; replaces phenylalanine 609 with serine.
Molecular consequence: missense variant.
Genome position (GRCh38, 1-based): chr2:46,380,498, T>C. VCF-style: chr2-46380498-T-C. GRCh37 (hg19) VCF-style: chr2-46607637-T-C.
Other names: short protein forms F609S.
Identifiers: ClinVar variation 3627310 (VCV003627310.2).